The following is an entry in ClinVar:

NM_000246.4(CIITA):c.997A>G (p.Lys333Glu)

Gene: CIITA (class II major histocompatibility complex transactivator; plus strand). Cytogenetic location: 16p13.13.
Variant type: single nucleotide variant.
Coding change: c.997A>G on transcript NM_000246.4 (MANE Select); coding-DNA position 997, A replaced by G.
Protein change: p.Lys333Glu; replaces lysine 333 with glutamic acid.
Molecular consequence: missense variant. On other transcripts: non-coding transcript variant (1).
Genome position (GRCh38, 1-based): chr16:10,904,803, A>G. VCF-style: chr16-10904803-A-G. GRCh37 (hg19) VCF-style: chr16-10998660-A-G.
Other names: c.1000A>G, p.Lys334Glu (NM_001286402.1, NM_001379332.1); c.850A>G, p.Lys284Glu (NM_001286403.2, NM_001379331.1); c.853A>G, p.Lys285Glu (NM_001379330.1); c.997A>G, p.Lys333Glu (NM_001379333.1); c.928A>G, p.Lys310Glu (NM_001379334.1); short protein forms K333E, K284E, K285E, K310E, K334E.
Identifiers: ClinVar variation 2145355 (VCV002145355.1), dbSNP rs764858917, ClinGen allele CA7899993.

ClinVar aggregate classification (germline): Uncertain significance (1 of 4 stars; one submission).

Conditions:
MHC class II deficiency. Also called: Bare lymphocyte syndrome 2; BLS, TYPE II. Identifiers: Orphanet 572, MedGen C5447452, MONDO:0008855.

Allele frequency attached by ClinVar (database versions not stated): gnomAD exomes below 0.00001; ExAC 0.00001; gnomAD 0.00001.
gnomAD v4.1: 4 of 1,614,036 alleles (0.00025%); highest among the groups gnomAD compares: African/African-American, 0.004%; no homozygotes.

Submission:

Labcorp Genetics (formerly Invitae), Labcorp
Classification: Uncertain significance for MHC class II deficiency. Last evaluated: 2022-01-27. Review status: criteria provided, single submitter. Criteria: Invitae Variant Classification Sherloc (09022015). Collection method: clinical testing. Allele origin: germline.
Comment: This sequence change replaces lysine, which is basic and polar, with glutamic acid, which is acidic and polar, at codon 333 of the CIITA protein (p.Lys333Glu). This variant is present in population databases (rs764858917, gnomAD 0.007%). This variant has not been reported in the literature in individuals affected with CIITA-related conditions. Algorithms developed to predict the effect of missense changes on protein structure and function are either unavailable or do not agree on the potential impact of this missense change (SIFT: "Tolerated"; PolyPhen-2: "Possibly Damaging"; Align-GVGD: "Class C0"). In summary, the available evidence is currently insufficient to determine the role of this variant in disease. Therefore, it has been classified as a Variant of Uncertain Significance.